The following is an entry in ClinVar:

ClinVar aggregate classification (germline): Uncertain significance (1 of 4 stars; one submission).

Conditions:
Gastrointestinal stromal tumor. Also called: Gastrointestinal stromal tumor, somatic; Gastrointestinal stroma tumor. Identifiers: Orphanet 44890, MedGen C0238198, MeSH D046152, MONDO:0011719, OMIM 606764, HP:0100723.

Submission:

Labcorp Genetics (formerly Invitae), Labcorp
Classification: Uncertain significance for Gastrointestinal stromal tumor. Last evaluated: 2024-04-10. Review status: criteria provided, single submitter. Criteria: Invitae Variant Classification Sherloc (09022015). Collection method: clinical testing. Allele origin: germline.
Comment: This sequence change replaces threonine, which is neutral and polar, with alanine, which is neutral and non-polar, at codon 276 of the PDGFRA protein (p.Thr276Ala). This variant is not present in population databases (gnomAD no frequency). This variant has not been reported in the literature in individuals affected with PDGFRA-related conditions. Advanced modeling of protein sequence and biophysical properties (such as structural, functional, and spatial information, amino acid conservation, physicochemical variation, residue mobility, and thermodynamic stability) performed at Invitae indicates that this missense variant is not expected to disrupt PDGFRA protein function with a negative predictive value of 80%. In summary, the available evidence is currently insufficient to determine the role of this variant in disease. Therefore, it has been classified as a Variant of Uncertain Significance.

NM_006206.6(PDGFRA):c.826A>G (p.Thr276Ala)

Gene: PDGFRA (platelet derived growth factor receptor alpha; plus strand). Cytogenetic location: 4q12.
Variant type: single nucleotide variant.
Coding change: c.826A>G on transcript NM_006206.6 (MANE Select); coding-DNA position 826, A replaced by G.
Protein change: p.Thr276Ala; replaces threonine 276 with alanine.
Molecular consequence: missense variant.
Genome position (GRCh38, 1-based): chr4:54,267,355, A>G. VCF-style: chr4-54267355-A-G. GRCh37 (hg19) VCF-style: chr4-55133522-A-G.
Other names: c.826A>G, p.Thr276Ala (NM_001347827.2, NM_001347829.2); c.901A>G, p.Thr301Ala (NM_001347828.2); c.865A>G, p.Thr289Ala (NM_001347830.2); short protein forms T289A, T301A, T276A.
Identifiers: ClinVar variation 2793844 (VCV002793844.2), dbSNP rs2475453349, ClinGen allele CA356891191.